The following is an entry in ClinVar:

NM_003494.4(DYSF):c.88+12487C>A

Gene: DYSF (dysferlin; plus strand). Cytogenetic location: 2p13.2.
Variant type: single nucleotide variant.
Coding change: c.88+12487C>A on transcript NM_003494.4 (MANE Plus Clinical); 12487 bases into the intron after coding-DNA position 88, C replaced by A.
Molecular consequence: intron variant.
Genome position (GRCh38, 1-based): chr2:71,466,573, C>A. VCF-style: chr2-71466573-C-A. GRCh37 (hg19) VCF-style: chr2-71693703-C-A.
Other names: c.88+12487C>A (NM_001130979.2, NM_001130981.2, NM_001130980.2 and 3 more transcripts).
Identifiers: ClinVar variation 679525 (VCV000679525.4), dbSNP rs72896830, ClinGen allele CA49739128.

ClinVar aggregate classification (germline): Benign. Review status: criteria provided, multiple submitters, no conflicts (2 of 4 stars). 2 submissions from 2 submitters: Benign (2). Last evaluated 2018-06-16.

Allele frequency attached by ClinVar (database versions not stated): gnomAD 0.02011 and 0.02177; 1000 Genomes Project 0.02416; 1000 Genomes Project 30x 0.02623; TOPMed 0.02332; gnomAD exomes 0.00166.
gnomAD v4.1: 4,684 of 1,083,098 alleles (0.43%); highest among the groups gnomAD compares: African/African-American, 6.9%; 148 homozygotes.

Submissions (2):

GeneDx
Classification: Benign. Last evaluated: 2018-06-16. Review status: criteria provided, single submitter. Criteria: GeneDx Variant Classification (06012015). Collection method: clinical testing. Allele origin: germline. Affected: yes.
Comment: This variant is considered likely benign or benign based on one or more of the following criteria: it is a conservative change, it occurs at a poorly conserved position in the protein, it is predicted to be benign by multiple in silico algorithms, and/or has population frequency not consistent with disease.

Breakthrough Genomics
Classification: Benign. Review status: criteria provided, single submitter. Criteria: ACMG Guidelines, 2015. Collection method: not provided. Allele origin: germline. Inheritance: Autosomal recessive inheritance. Affected: yes.